The following is an entry in ClinVar:

ClinVar aggregate classification (germline): Benign. Review status: criteria provided, multiple submitters, no conflicts (2 of 4 stars). 5 submissions from 5 submitters: Benign (4). 1 of the submissions does not count toward it. Last evaluated 2026-02-01.

Conditions:
FAN1-related disorder. Also called: FAN1-related condition.

Allele frequency attached by ClinVar (database versions not stated): 1000 Genomes Project 0.03554; 1000 Genomes Project 30x 0.03888; TOPMed 0.04234; ESP Exome Variant Server 0.04437.
gnomAD v4.1: 11,200 of 1,613,980 alleles (0.69%); highest among the groups gnomAD compares: African/African-American, 13%; 686 homozygotes.

Submissions (5):

Labcorp Genetics (formerly Invitae), Labcorp
Classification: Benign. Last evaluated: 2026-02-01. Review status: criteria provided, single submitter. Criteria: Invitae Variant Classification Sherloc (09022015). Collection method: clinical testing. Allele origin: germline.

Mayo Clinic Laboratories, Mayo Clinic
Classification: Benign. Last evaluated: 2023-04-03. Review status: criteria provided, single submitter. Criteria: ACMG Guidelines, 2015. Collection method: clinical testing. Allele origin: germline. Observed: 10 variant alleles.

GeneDx
Classification: Benign. Last evaluated: 2020-05-04. Review status: criteria provided, single submitter. Criteria: GeneDx Variant Classification Process June 2021. Collection method: clinical testing. Allele origin: germline. Affected: yes.

Breakthrough Genomics
Classification: Benign. Review status: criteria provided, single submitter. Criteria: ACMG Guidelines, 2015. Collection method: not provided. Allele origin: germline. Inheritance: Autosomal recessive inheritance. Affected: yes.

PreventionGenetics, part of Exact Sciences
Classification: Benign for FAN1-related condition. Last evaluated: 2020-01-03. Review status: no assertion criteria provided. Collection method: clinical testing. Allele origin: germline. Not counted in ClinVar's aggregate classification.
Comment: This variant is classified as benign based on ACMG/AMP sequence variant interpretation guidelines (Richards et al. 2015 PMID: 25741868, with internal and published modifications).

NM_014967.5(FAN1):c.2271G>C (p.Pro757=)

Genes: FAN1 (FANCD2 and FANCI associated nuclease 1; plus strand), MTMR10 (myotubularin related protein 10; minus strand). Cytogenetic location: 15q13.3.
Variant type: single nucleotide variant.
Coding change: c.2271G>C on transcript NM_014967.5 (MANE Select); coding-DNA position 2271, G replaced by C.
Protein change: p.Pro757=; no amino-acid change (proline 757 retained).
Molecular consequence: synonymous variant.
Genome position (GRCh38, 1-based): chr15:30,925,225, G>C. VCF-style: chr15-30925225-G-C. GRCh37 (hg19) VCF-style: chr15-31217428-G-C.
Other names: p.Pro757=.
Identifiers: ClinVar variation 1291997 (VCV001291997.13), dbSNP rs60719098, ClinGen allele CA7450555.